The following is an entry in ClinVar:

NM_001267550.2(TTN):c.89313C>T (p.Val29771=)

Genes: TTN (titin; minus strand), TTN-AS1 (TTN antisense RNA 1; plus strand). Cytogenetic location: 2q31.2.
Variant type: single nucleotide variant.
Coding change: c.89313C>T on transcript NM_001267550.2 (MANE Select); coding-DNA position 89313, C replaced by T.
Protein change: p.Val29771=; no amino-acid change (valine 29771 retained).
Molecular consequence: synonymous variant.
Genome position (GRCh38, 1-based): chr2:178,553,692, G>A on the plus strand (C>T on the coding strand, the complement: TTN is on the minus strand). VCF-style: chr2-178553692-G-A. GRCh37 (hg19) VCF-style: chr2-179418419-G-A.
Other names: c.84390C>T, p.Val28130= (NM_001256850.1); c.62118C>T, p.Val20706= (NM_003319.4); c.81609C>T, p.Val27203= (NM_133378.4); c.62493C>T, p.Val20831= (NM_133432.3); c.62694C>T, p.Val20898= (NM_133437.4).
Identifiers: ClinVar variation 497179 (VCV000497179.15), dbSNP rs746897918, ClinGen allele CA1987944.
Genomic context (GRCh38, chr2:178,553,692, plus strand): 5'-TCTGACCTCTCCTTTGGTAGAGACAGTAGTCCATTCCTCTTCCTCTCCTTGTCTTATCTC[G>A]ACAACATACCCAGTAACAGCACTGCCCCCATCATAGACAGGCTTACTCCAGCCAAGGGTG-3'
Protein context (NP_001254479.2, residues 29761-29781): DGGSAVTGYV[Val29771=]EIRQGEEEEW

ClinVar aggregate classification (germline): Conflicting classifications of pathogenicity. Review status: criteria provided, conflicting classifications (1 of 4 stars). 4 submissions from 4 submitters: Uncertain significance (1); Likely benign (3). Last evaluated 2026-01-27.

Conditions:
TTN-related disorder. Also called: TTN-related condition; TTN-related disease; TTN-related disorders.
Cardiovascular phenotype. Identifiers: MedGen CN230736.
Dilated cardiomyopathy 1G (CMD1G). Identifiers: Orphanet 154, MedGen C1858763, MONDO:0011400, OMIM 604145.
Autosomal recessive limb-girdle muscular dystrophy type 2J (LGMDR10). Also called: Limb-girdle muscular dystrophy, type 2J; MUSCULAR DYSTROPHY, LIMB-GIRDLE, AUTOSOMAL RECESSIVE 10. Identifiers: Orphanet 140922, MedGen C1837342, MONDO:0012127, OMIM 608807.

Allele frequency attached by ClinVar (database versions not stated): ExAC 0.00001; gnomAD exomes 0.00001; TOPMed 0.00002; gnomAD 0.00003.
gnomAD v4.1: 12 of 1,613,576 alleles (0.00074%); highest among the groups gnomAD compares: Admixed American, 0.005%; no homozygotes.

Submissions (4):

PreventionGenetics, part of Exact Sciences
Classification: Likely benign for TTN-related condition. Last evaluated: 2026-01-27. Review status: criteria provided, single submitter. Criteria: ACMG Guidelines, 2015. Collection method: clinical testing. Allele origin: germline.
Comment: This variant is classified as likely benign based on ACMG/AMP sequence variant interpretation guidelines (Richards et al. 2015 PMID: 25741868, with internal and published modifications).

Labcorp Genetics (formerly Invitae), Labcorp
Classification: Likely benign for Dilated cardiomyopathy 1G; Autosomal recessive limb-girdle muscular dystrophy type 2J. Last evaluated: 2023-09-18. Review status: criteria provided, single submitter. Criteria: Invitae Variant Classification Sherloc (09022015). Collection method: clinical testing. Allele origin: germline.

Ambry Genetics
Classification: Likely benign for Cardiovascular phenotype. Last evaluated: 2021-01-28. Review status: criteria provided, single submitter. Criteria: Ambry Variant Classification Scheme 2023. Collection method: clinical testing. Allele origin: germline.

Eurofins Ntd Llc (ga)
Classification: Uncertain significance. Last evaluated: 2016-10-05. Review status: criteria provided, single submitter. Criteria: EGL Classification Definitions 2015. Collection method: clinical testing. Allele origin: germline. Observed: 1 variant allele, 1 heterozygote.